The following is an entry in ClinVar:

ClinVar aggregate classification (germline): Pathogenic. Review status: criteria provided, multiple submitters, no conflicts (2 of 4 stars). 2 submissions from 2 submitters: Pathogenic (2). Last evaluated 2025-02-04.

Conditions:
Cardiovascular phenotype. Identifiers: MedGen CN230736.
Hereditary hemorrhagic telangiectasia (HHT). Also called: ORW DISEASE; Osler Weber Rendu syndrome; OSLER-RENDU-WEBER DISEASE; Osler hemorrhagic telangiectasia syndrome. Identifiers: Orphanet 774, MedGen C0039445, MONDO:0019180. Disease mechanism: loss of function.

Submissions (2):

Labcorp Genetics (formerly Invitae), Labcorp
Classification: Pathogenic for Hereditary hemorrhagic telangiectasia. Last evaluated: 2025-02-04. Review status: criteria provided, single submitter. Criteria: Invitae Variant Classification Sherloc (09022015). Collection method: clinical testing. Allele origin: germline.
Comment: This sequence change affects a donor splice site in intron 5 of the ENG gene. RNA analysis indicates that disruption of this splice site induces altered splicing and may result in an absent or altered protein product. This variant is not present in population databases (gnomAD no frequency). Disruption of this splice site has been observed in individuals with hereditary hemorrhagic telangiectasia (PMID: 12920067, 15024723; internal data). ClinVar contains an entry for this variant (Variation ID: 1756005). Studies have shown that disruption of this splice site results in skipping of exon 5, and produces a non-functional protein and/or introduces a premature termination codon (PMID: 15024723). For these reasons, this variant has been classified as Pathogenic.

Ambry Genetics
Classification: Pathogenic for Cardiovascular phenotype. Last evaluated: 2018-03-26. Review status: criteria provided, single submitter. Criteria: Ambry Variant Classification Scheme 2023. Collection method: clinical testing. Allele origin: germline.
Comment: The c.689+1G>T intronic pathogenic mutation results from a G to T substitution one nucleotide after coding exon 5 of the ENG gene. This mutation was described in an individual with a clinical diagnosis of hereditary hemorrhagic telangiectasia (Berg J et al. J. Med. Genet., 2003 Aug;40:585-90). This nucleotide position is highly conserved in available vertebrate species. This splice prediction software predicts that this alteration will abolish the native splice donor site. In addition to the clinical data presented in the literature, alterations that disrupt the canonical splice site are expected to cause aberrant splicing, resulting in an abnormal protein or a transcript that is subject to nonsense-mediated mRNA decay. As such, this alteration is classified as likely pathogenic.

Literature cited by the submitters: PubMed 12920067 (cited by Labcorp Genetics (formerly Invitae), Labcorp and Ambry Genetics); PubMed 15024723 (cited by Labcorp Genetics (formerly Invitae), Labcorp).

NM_001114753.3(ENG):c.689+1G>T

Gene: ENG (endoglin; minus strand). Cytogenetic location: 9q34.11.
Variant type: single nucleotide variant.
Coding change: c.689+1G>T on transcript NM_001114753.3 (MANE Select); the canonical splice donor site of the intron after coding-DNA position 689, G replaced by T.
Molecular consequence: splice donor variant.
Genome position (GRCh38, 1-based): chr9:127,825,694, C>A on the plus strand (G>T on the coding strand, the complement: ENG is on the minus strand). VCF-style: chr9-127825694-C-A. GRCh37 (hg19) VCF-style: chr9-130587973-C-A.
Other names: c.689+1G>T (NM_000118.4, NM_001406715.1); c.143+1G>T (NM_001278138.2).
Identifiers: ClinVar variation 1756005 (VCV001756005.7), dbSNP rs1588582594, ClinGen allele CA374983474.